The following is an entry in ClinVar:

ClinVar aggregate classification (germline): Pathogenic (1 of 4 stars; one submission).

Conditions:
Hereditary cancer-predisposing syndrome. Also called: Tumor predisposition; Hereditary Cancer Syndrome; Hereditary neoplastic syndrome; Neoplastic Syndromes, Hereditary. Identifiers: Orphanet 140162, MedGen C0027672, MeSH D009386, MONDO:0015356.

Submission:

Ambry Genetics
Classification: Pathogenic for Hereditary cancer-predisposing syndrome. Last evaluated: 2025-11-05. Review status: criteria provided, single submitter. Criteria: Ambry Variant Classification Scheme 2023. Collection method: clinical testing. Allele origin: germline.
Comment: The p.W61* pathogenic mutation (also known as c.183G>A), located in coding exon 2 of the SUFU gene, results from a G to A substitution at nucleotide position 183. This changes the amino acid from a tryptophan to a stop codon within coding exon 2. This variant is considered to be rare based on population cohorts in the Genome Aggregation Database (gnomAD). This alteration is expected to result in loss of function by premature protein truncation or nonsense-mediated mRNA decay. As such, this alteration is interpreted as a disease-causing mutation.

NM_016169.4(SUFU):c.183G>A (p.Trp61Ter)

Gene: SUFU (SUFU negative regulator of hedgehog signaling; plus strand). Cytogenetic location: 10q24.32.
Variant type: single nucleotide variant.
Coding change: c.183G>A on transcript NM_016169.4 (MANE Select); coding-DNA position 183, G replaced by A.
Protein change: p.Trp61Ter; replaces tryptophan 61 with a stop codon.
Molecular consequence: nonsense.
Genome position (GRCh38, 1-based): chr10:102,509,169, G>A. VCF-style: chr10-102509169-G-A. GRCh37 (hg19) VCF-style: chr10-104268926-G-A.
Other names: c.183G>A, p.Trp61Ter (NM_001178133.2); short protein forms W61*.
Identifiers: ClinVar variation 4551697 (VCV004551697.1).